The following is an entry in ClinVar:

ClinVar aggregate classification (germline): Uncertain significance (1 of 4 stars; one submission).

gnomAD v4.1: 4 of 1,551,374 alleles (0.00026%); highest among the groups gnomAD compares: Non-Finnish European, 0.00035%; no homozygotes.

Submission:

Labcorp Genetics (formerly Invitae), Labcorp
Classification: Uncertain significance. Last evaluated: 2023-10-03. Review status: criteria provided, single submitter. Criteria: Invitae Variant Classification Sherloc (09022015). Collection method: clinical testing. Allele origin: germline.
Comment: This sequence change replaces leucine, which is neutral and non-polar, with isoleucine, which is neutral and non-polar, at codon 949 of the OPA1 protein (p.Leu949Ile). This variant is not present in population databases (gnomAD no frequency). This missense change has been observed in individual(s) with clinical features of OPA1-related conditions (PMID: 31500643). This variant is also known as c.3010C>A (p.Leu1004Ile). ClinVar contains an entry for this variant (Variation ID: 1924101). Advanced modeling of protein sequence and biophysical properties (such as structural, functional, and spatial information, amino acid conservation, physicochemical variation, residue mobility, and thermodynamic stability) has been performed at Invitae for this missense variant, however the output from this modeling did not meet the statistical confidence thresholds required to predict the impact of this variant on OPA1 protein function. In summary, the available evidence is currently insufficient to determine the role of this variant in disease. Therefore, it has been classified as a Variant of Uncertain Significance.

Literature cited by the submitters: PubMed 31500643.

NM_130837.3(OPA1):c.3010C>A (p.Leu1004Ile)

Gene: OPA1 (OPA1 mitochondrial dynamin like GTPase; plus strand). Cytogenetic location: 3q29.
Variant type: single nucleotide variant.
Coding change: c.3010C>A on transcript NM_130837.3 (MANE Select); coding-DNA position 3010, C replaced by A.
Protein change: p.Leu1004Ile; replaces leucine 1004 with isoleucine.
Molecular consequence: missense variant.
Genome position (GRCh38, 1-based): chr3:193,692,089, C>A. VCF-style: chr3-193692089-C-A. GRCh37 (hg19) VCF-style: chr3-193409878-C-A.
Other names: c.2476C>A, p.Leu826Ile (NM_001354663.2); c.2473C>A, p.Leu825Ile (NM_001354664.2); c.2845C>A, p.Leu949Ile (NM_015560.3); c.2737C>A, p.Leu913Ile (NM_130831.3); c.2791C>A, p.Leu931Ile (NM_130832.3); c.2848C>A, p.Leu950Ile (NM_130833.3); c.2899C>A, p.Leu967Ile (NM_130834.3); c.2902C>A, p.Leu968Ile (NM_130835.3); and 1 more; short protein forms L826I, L949I, L950I, L967I, L825I, L1004I, L931I, L968I.
Identifiers: ClinVar variation 1924101 (VCV001924101.5), dbSNP rs747237694, ClinGen allele CA90519748.